The following is an entry in ClinVar:

ClinVar aggregate classification (germline): Uncertain significance. Review status: criteria provided, multiple submitters, no conflicts (2 of 4 stars). 2 submissions from 2 submitters: Uncertain significance (2). Last evaluated 2025-04-07.

Conditions:
Inborn genetic diseases. Identifiers: MedGen C0950123, MeSH D030342.

Allele frequency attached by ClinVar (database versions not stated): gnomAD exomes 0.00001; gnomAD 0.00002; TOPMed 0.00002.
gnomAD v4.1: 12 of 1,602,992 alleles (0.00075%); highest among the groups gnomAD compares: Non-Finnish European, 0.001%; no homozygotes.

Submissions (2):

Ambry Genetics
Classification: Uncertain significance for Inborn genetic diseases. Last evaluated: 2025-04-07. Review status: criteria provided, single submitter. Criteria: Ambry Variant Classification Scheme 2023. Collection method: clinical testing. Allele origin: germline.

GeneDx
Classification: Uncertain significance. Last evaluated: 2023-05-02. Review status: criteria provided, single submitter. Criteria: GeneDx Variant Classification Process June 2021. Collection method: clinical testing. Allele origin: germline. Affected: yes.
Comment: Not observed at significant frequency in large population cohorts (gnomAD); In silico analysis supports that this missense variant does not alter protein structure/function; Has not been previously published as pathogenic or benign to our knowledge

NM_000163.5(GHR):c.579A>T (p.Glu193Asp)

Gene: GHR (growth hormone receptor; plus strand). Cytogenetic location: 5p12.
Variant type: single nucleotide variant.
Coding change: c.579A>T on transcript NM_000163.5 (MANE Select); coding-DNA position 579, A replaced by T.
Protein change: p.Glu193Asp; replaces glutamic acid 193 with aspartic acid.
Molecular consequence: missense variant.
Genome position (GRCh38, 1-based): chr5:42,699,963, A>T. VCF-style: chr5-42699963-A-T. GRCh37 (hg19) VCF-style: chr5-42700065-A-T.
Other names: c.600A>T, p.Glu200Asp (NM_001242399.2); c.579A>T, p.Glu193Asp (NM_001242400.2, NM_001242401.4, NM_001242402.2 and 5 more transcripts); c.513A>T, p.Glu171Asp (NM_001242460.2); short protein forms E171D, E193D, E200D.
Identifiers: ClinVar variation 2663073 (VCV002663073.2), dbSNP rs1255480270, ClinGen allele CA359695680.